The following is an entry in ClinVar:

ClinVar aggregate classification (germline): Uncertain significance (1 of 4 stars; one submission).

Allele frequency attached by ClinVar (database versions not stated): gnomAD exomes below 0.00001; TOPMed below 0.00001.

Submission:

Labcorp Genetics (formerly Invitae), Labcorp
Classification: Uncertain significance. Last evaluated: 2022-09-28. Review status: criteria provided, single submitter. Criteria: Invitae Variant Classification Sherloc (09022015). Collection method: clinical testing. Allele origin: germline.
Comment: Advanced modeling of protein sequence and biophysical properties (such as structural, functional, and spatial information, amino acid conservation, physicochemical variation, residue mobility, and thermodynamic stability) performed at Invitae indicates that this missense variant is not expected to disrupt ACY1 protein function. This variant has not been reported in the literature in individuals affected with ACY1-related conditions. This variant is present in population databases (no rsID available, gnomAD 0.006%). This sequence change replaces leucine, which is neutral and non-polar, with proline, which is neutral and non-polar, at codon 157 of the ACY1 protein (p.Leu157Pro). In summary, the available evidence is currently insufficient to determine the role of this variant in disease. Therefore, it has been classified as a Variant of Uncertain Significance.

NM_000666.3(ACY1):c.470T>C (p.Leu157Pro)

Genes: ABHD14A-ACY1 (ABHD14A-ACY1 readthrough; plus strand), ACY1 (aminoacylase 1; plus strand). Cytogenetic location: 3p21.2.
Variant type: single nucleotide variant.
Coding change: c.470T>C on transcript NM_000666.3 (MANE Select); coding-DNA position 470, T replaced by C.
Protein change: p.Leu157Pro; replaces leucine 157 with proline.
Molecular consequence: missense variant. On other transcripts: intron variant (1).
Genome position (GRCh38, 1-based): chr3:51,986,448, T>C. VCF-style: chr3-51986448-T-C. GRCh37 (hg19) VCF-style: chr3-52020464-T-C.
Other names: c.740T>C, p.Leu247Pro (NM_001316331.2); c.470T>C, p.Leu157Pro (NM_001198895.2, NM_001198897.2); c.365T>C, p.Leu122Pro (NM_001198898.2); c.311-157T>C (NM_001198896.2); short protein forms L122P, L157P, L247P.
Identifiers: ClinVar variation 1925348 (VCV001925348.5), dbSNP rs1439697052, ClinGen allele CA353089315.